The following is an entry in ClinVar:

ClinVar aggregate classification (germline): Likely benign. Review status: criteria provided, multiple submitters, no conflicts (2 of 4 stars). 4 submissions from 4 submitters: Likely benign (4). Last evaluated 2026-01-29.

Conditions:
Brugada syndrome 4 (BRGDA4). Identifiers: Orphanet 130, MedGen C2678477, MONDO:0012743, OMIM 611876.
CACNB2-related disorder. Also called: CACNB2-related condition.
Cardiovascular phenotype. Identifiers: MedGen CN230736.

Allele frequency attached by ClinVar (database versions not stated): ExAC 0.00008; gnomAD exomes 0.00008; ESP Exome Variant Server 0.00015; TOPMed 0.00020; 1000 Genomes Project 30x 0.00031; 1000 Genomes Project 0.00040.
gnomAD v4.1: 79 of 1,614,038 alleles (0.0049%); highest among the groups gnomAD compares: African/African-American, 0.069%; no homozygotes.

Submissions (4):

Labcorp Genetics (formerly Invitae), Labcorp
Classification: Likely benign for Brugada syndrome 4. Last evaluated: 2026-01-29. Review status: criteria provided, single submitter. Criteria: Invitae Variant Classification Sherloc (09022015). Collection method: clinical testing. Allele origin: germline.

PreventionGenetics, part of Exact Sciences
Classification: Likely benign for CACNB2-related condition. Last evaluated: 2025-09-23. Review status: criteria provided, single submitter. Criteria: ACMG Guidelines, 2015. Collection method: clinical testing. Allele origin: germline.
Comment: This variant is classified as likely benign based on ACMG/AMP sequence variant interpretation guidelines (Richards et al. 2015 PMID: 25741868, with internal and published modifications).

Blueprint Genetics
Classification: Likely benign. Last evaluated: 2024-05-02. Review status: criteria provided, single submitter. Criteria: ACMG Guidelines, 2015. Collection method: clinical testing. Allele origin: germline.

Ambry Genetics
Classification: Likely benign for Cardiovascular phenotype. Last evaluated: 2020-11-23. Review status: criteria provided, single submitter. Criteria: Ambry Variant Classification Scheme 2023. Collection method: clinical testing. Allele origin: germline.

Literature cited by the submitters: PubMed 28704380 (cited by Ambry Genetics).

NM_201596.3(CACNB2):c.1640G>A (p.Arg547His)

Gene: CACNB2 (calcium voltage-gated channel auxiliary subunit beta 2; plus strand). Cytogenetic location: 10p12.31.
Variant type: single nucleotide variant.
Coding change: c.1640G>A on transcript NM_201596.3 (MANE Select); coding-DNA position 1640, G replaced by A.
Protein change: p.Arg547His; replaces arginine 547 with histidine.
Molecular consequence: missense variant.
Genome position (GRCh38, 1-based): chr10:18,539,381, G>A. VCF-style: chr10-18539381-G-A. GRCh37 (hg19) VCF-style: chr10-18828310-G-A.
Other names: c.1475G>A, p.Arg492His (NM_000724.4); c.1442G>A, p.Arg481His (NM_001167945.2); c.1361G>A, p.Arg454His (NM_001330060.2); c.1496G>A, p.Arg499His (NM_201570.3); c.1556G>A, p.Arg519His (NM_201571.4); c.1484G>A, p.Arg495His (NM_201572.4); c.1478G>A, p.Arg493His (NM_201590.3); c.1526G>A, p.Arg509His (NM_201593.3); and 1 more; short protein forms R481H, R523H, R547H, R492H, R493H, R499H, R509H, R519H.
Identifiers: ClinVar variation 800223 (VCV000800223.15), dbSNP rs377657305, ClinGen allele CA5430117.